The following is an entry in ClinVar:

NM_020937.4(FANCM):c.5037T>A (p.Asn1679Lys)

Gene: FANCM (FA complementation group M; plus strand). Cytogenetic location: 14q21.2.
Variant type: single nucleotide variant.
Coding change: c.5037T>A on transcript NM_020937.4 (MANE Select); coding-DNA position 5037, T replaced by A.
Protein change: p.Asn1679Lys; replaces asparagine 1679 with lysine.
Molecular consequence: missense variant.
Genome position (GRCh38, 1-based): chr14:45,189,059, T>A. VCF-style: chr14-45189059-T-A. GRCh37 (hg19) VCF-style: chr14-45658262-T-A.
Other names: c.4959T>A, p.Asn1653Lys (NM_001308133.2); short protein forms N1653K, N1679K.
Identifiers: ClinVar variation 4075574 (VCV004075574.1).

ClinVar aggregate classification (germline): Uncertain significance (1 of 4 stars; one submission).

gnomAD v4.1: 1 of 1,614,104 alleles (0.000062%); highest among the groups gnomAD compares: East Asian, 0.0022%; no homozygotes.

Submission:

GeneDx
Classification: Uncertain significance. Last evaluated: 2025-02-12. Review status: criteria provided, single submitter. Criteria: GeneDx Variant Classification Process June 2021. Collection method: clinical testing. Allele origin: germline. Affected: yes.
Comment: Not observed at significant frequency in large population cohorts (gnomAD); In silico analysis indicates that this missense variant does not alter protein structure/function; Has not been previously published as pathogenic or benign to our knowledge